The following is an entry in ClinVar:

ClinVar aggregate classification (germline): Uncertain significance (1 of 4 stars; one submission).

Allele frequency attached by ClinVar (database versions not stated): gnomAD exomes below 0.00001; gnomAD 0.00001.
gnomAD v4.1: 9 of 1,599,422 alleles (0.00056%); highest among the groups gnomAD compares: Non-Finnish European, 0.00068%; no homozygotes.

Submission:

Labcorp Genetics (formerly Invitae), Labcorp
Classification: Uncertain significance. Last evaluated: 2022-03-19. Review status: criteria provided, single submitter. Criteria: Invitae Variant Classification Sherloc (09022015). Collection method: clinical testing. Allele origin: germline.
Comment: Algorithms developed to predict the effect of missense changes on protein structure and function (SIFT, PolyPhen-2, Align-GVGD) all suggest that this variant is likely to be tolerated. Algorithms developed to predict the effect of sequence changes on RNA splicing suggest that this variant may create or strengthen a splice site. In summary, the available evidence is currently insufficient to determine the role of this variant in disease. Therefore, it has been classified as a Variant of Uncertain Significance. This sequence change replaces alanine, which is neutral and non-polar, with glycine, which is neutral and non-polar, at codon 501 of the CACNA2D4 protein (p.Ala501Gly). The frequency data for this variant in the population databases is considered unreliable, as metrics indicate poor data quality at this position in the gnomAD database. This variant has not been reported in the literature in individuals affected with CACNA2D4-related conditions. ClinVar contains an entry for this variant (Variation ID: 955028).

NM_172364.5(CACNA2D4):c.1502C>G (p.Ala501Gly)

Gene: CACNA2D4 (calcium voltage-gated channel auxiliary subunit alpha2delta 4; minus strand). Cytogenetic location: 12p13.33.
Variant type: single nucleotide variant.
Coding change: c.1502C>G on transcript NM_172364.5 (MANE Select); coding-DNA position 1502, C replaced by G.
Protein change: p.Ala501Gly; replaces alanine 501 with glycine.
Molecular consequence: missense variant.
Genome position (GRCh38, 1-based): chr12:1,879,865, G>C on the plus strand (C>G on the coding strand, the complement: CACNA2D4 is on the minus strand). VCF-style: chr12-1879865-G-C. GRCh37 (hg19) VCF-style: chr12-1989031-G-C.
Other names: short protein forms A501G.
Identifiers: ClinVar variation 955028 (VCV000955028.9), dbSNP rs1184450922, ClinGen allele CA383354282.